The following is an entry in ClinVar:

ClinVar aggregate classification (germline): Pathogenic (1 of 4 stars; one submission).

Submission:

Labcorp Genetics (formerly Invitae), Labcorp
Classification: Pathogenic. Last evaluated: 2021-12-07. Review status: criteria provided, single submitter. Criteria: Invitae Variant Classification Sherloc (09022015). Collection method: clinical testing. Allele origin: germline.
Comment: This sequence change creates a premature translational stop signal (p.Gln30*) in the ELP1 gene. It is expected to result in an absent or disrupted protein product. Loss-of-function variants in ELP1 are known to be pathogenic (PMID: 18303054, 24173031). For these reasons, this variant has been classified as Pathogenic. This variant has not been reported in the literature in individuals affected with ELP1-related conditions. This variant is not present in population databases (gnomAD no frequency).

Literature cited by the submitters: PubMed 18303054; PubMed 24173031.

NM_003640.5(ELP1):c.88C>T (p.Gln30Ter)

Gene: ELP1 (elongator acetyltransferase complex subunit 1; minus strand). Cytogenetic location: 9q31.3.
Variant type: single nucleotide variant.
Coding change: c.88C>T on transcript NM_003640.5 (MANE Select); coding-DNA position 88, C replaced by T.
Protein change: p.Gln30Ter; replaces glutamine 30 with a stop codon.
Molecular consequence: nonsense. On other transcripts: 5 prime UTR variant (1), intron variant (1).
Genome position (GRCh38, 1-based): chr9:108,931,059, G>A on the plus strand (C>T on the coding strand, the complement: ELP1 is on the minus strand). VCF-style: chr9-108931059-G-A. GRCh37 (hg19) VCF-style: chr9-111693339-G-A.
Other names: c.-772C>T (NM_001330749.2); c.-252-3C>T (NM_001318360.2); short protein forms Q30*.
Identifiers: ClinVar variation 2036692 (VCV002036692.4), dbSNP rs2537966954, ClinGen allele CA374394969.